The following is an entry in ClinVar:

ClinVar aggregate classification (germline): Benign (1 of 4 stars; one submission).

Conditions:
Wolfram syndrome 1 (WFS1). Identifiers: Orphanet 3463, MedGen C4551693, MONDO:0009101, OMIM 222300.

Allele frequency attached by ClinVar (database versions not stated): gnomAD 0.00001; 1000 Genomes Project 30x 0.00016; 1000 Genomes Project 0.00020.
gnomAD v4.1: 6 of 1,614,046 alleles (0.00037%); highest among the groups gnomAD compares: South Asian, 0.0011%; no homozygotes.

Submission:

Clinical Genomics, Uppaluri K&H Personalized Medicine Clinic
Classification: Benign for Wolfram syndrome 1. Review status: criteria provided, single submitter. Criteria: K & H Uppaluri Personalized Medicine Clinic Variant Classification & Assertion Criteria_Updated V.1. Collection method: research. Allele origin: unknown. Inheritance: Autosomal recessive inheritance.
Comment: Potent mutations in WFS1 gene are associated with Wolfram's syndrome, an autosomal recessive condition, which cause diabetes mellitus, diabetes insipidus, deafness and optic atrophy.However no sufficient evidence is found to ascertain the role of this particular variant rs143633587 in Wolfram's syndrome yet.

Literature cited by the submitters: PubMed 20738327; PubMed 33879153; PubMed 12955714; PubMed 18060660; PubMed 20301750; PubMed 17603484.

NM_006005.3(WFS1):c.1194C>T (p.Gly398=)

Gene: WFS1 (wolframin ER transmembrane glycoprotein; plus strand). Cytogenetic location: 4p16.1.
Variant type: single nucleotide variant.
Coding change: c.1194C>T on transcript NM_006005.3 (MANE Select); coding-DNA position 1194, C replaced by T.
Protein change: p.Gly398=; no amino-acid change (glycine 398 retained).
Molecular consequence: synonymous variant.
Genome position (GRCh38, 1-based): chr4:6,300,989, C>T. VCF-style: chr4-6300989-C-T. GRCh37 (hg19) VCF-style: chr4-6302716-C-T.
Other names: c.1194C>T, p.Gly398= (NM_001145853.1).
Identifiers: ClinVar variation 1810380 (VCV001810380.1), dbSNP rs143633587, ClinGen allele CA2839252.
Genomic context (GRCh38, chr4:6,300,989, plus strand): 5'-CGACCTGCTGCTGCGCTTCGAGCCCAACCTGGATGTGGAGCAGGCCGAGGTCAACTTCGG[C>T]TGGAACCACCTGGAGCCCTATGCCCATTTCCTGCTCTCTGTCTTCTTCGTCATCTTCTCC-3'
Protein context (NP_005996.2, residues 388-408): LDVEQAEVNF[Gly398=]WNHLEPYAHF